The following is an entry in ClinVar:

NM_000702.4(ATP1A2):c.160C>A (p.Gln54Lys)

Gene: ATP1A2 (ATPase Na+/K+ transporting subunit alpha 2; plus strand). Cytogenetic location: 1q23.2.
Variant type: single nucleotide variant.
Coding change: c.160C>A on transcript NM_000702.4 (MANE Select); coding-DNA position 160, C replaced by A.
Protein change: p.Gln54Lys; replaces glutamine 54 with lysine.
Molecular consequence: missense variant.
Genome position (GRCh38, 1-based): chr1:160,121,234, C>A. VCF-style: chr1-160121234-C-A. GRCh37 (hg19) VCF-style: chr1-160091024-C-A.
Other names: short protein forms Q54K.
Identifiers: ClinVar variation 2779651 (VCV002779651.4), dbSNP rs2524849489, ClinGen allele CA343228791.
Genomic context (GRCh38, chr1:160,121,234, plus strand): 5'-TCACCCTCCCTTCCCCAGGATGACCACAAGCTGTCCTTGGATGAGCTGGGCCGCAAATAC[C>A]AAGTGGACCTGTCCAAGGTGAGTGGAGGGGCTTCTAGGGAAGGAACAAAAGAGGCAAGAA-3'
Protein context (NP_000693.1, residues 44-64): LSLDELGRKY[Gln54Lys]VDLSKGLTNQ

ClinVar aggregate classification (germline): Uncertain significance. Review status: criteria provided, multiple submitters, no conflicts (2 of 4 stars). 2 submissions from 2 submitters: Uncertain significance (2). Last evaluated 2025-06-19.

Conditions:
Familial hemiplegic migraine. Identifiers: MedGen C0338484, MONDO:0000700.
Developmental and epileptic encephalopathy 98. Identifiers: MedGen C5562017, MONDO:0030472, OMIM 619605.

Submissions (2):

Labcorp Genetics (formerly Invitae), Labcorp
Classification: Uncertain significance for Familial hemiplegic migraine. Last evaluated: 2025-06-19. Review status: criteria provided, single submitter. Criteria: Invitae Variant Classification Sherloc (09022015). Collection method: clinical testing. Allele origin: germline.
Comment: This sequence change replaces glutamine, which is neutral and polar, with lysine, which is basic and polar, at codon 54 of the ATP1A2 protein (p.Gln54Lys). This variant is not present in population databases (gnomAD no frequency). This variant has not been reported in the literature in individuals affected with ATP1A2-related conditions. ClinVar contains an entry for this variant (Variation ID: 2779651). Invitae Evidence Modeling of protein sequence and biophysical properties (such as structural, functional, and spatial information, amino acid conservation, physicochemical variation, residue mobility, and thermodynamic stability) indicates that this missense variant is not expected to disrupt ATP1A2 protein function with a negative predictive value of 80%. In summary, the available evidence is currently insufficient to determine the role of this variant in disease. Therefore, it has been classified as a Variant of Uncertain Significance.

Neuberg Centre For Genomic Medicine, NCGM
Classification: Uncertain significance for Developmental and epileptic encephalopathy 98. Last evaluated: 2023-05-20. Review status: criteria provided, single submitter. Criteria: ACMG Guidelines, 2015. Collection method: clinical testing. Allele origin: germline. Inheritance: Autosomal dominant inheritance. Affected: yes.
Comment: The missense variant c.160C>A (p.Gln54Lys) in the ATP1A2 gene has not been reported previously as a pathogenic variant nor as a benign variant, to our knowledge. This variant is absent in the gnomAD Exomes. The amino acid Glutamine at position 54 is changed to a Lysine changing protein sequence and it might alter its composition and physico-chemical properties. Computational evidence (Polyphen, SIFT and MutationTaster) predicts conflicting evidence on protein structure and function for this variant. The amino acid change p.Gln54Lys in ATP1A2 is predicted as conserved by GERP++ and PhyloP across 100 vertebrates. For these reasons, this variant has been classified as Uncertain Significance.